The following is an entry in ClinVar:

ClinVar aggregate classification (germline): Benign/Likely benign. Review status: criteria provided, multiple submitters, no conflicts (2 of 4 stars). 5 submissions from 5 submitters: Benign (2); Likely benign (3). Last evaluated 2026-01-19.

Conditions:
DCTN1-related disorder. Also called: DCTN1-related condition.
Inborn genetic diseases. Identifiers: MedGen C0950123, MeSH D030342.
Amyotrophic lateral sclerosis type 1 (ALS1). Also called: AMYOTROPHIC LATERAL SCLEROSIS 1, FAMILIAL. Identifiers: Orphanet 803, MedGen C1862939, MONDO:0007103, OMIM 105400.
Perry syndrome. Also called: PARKINSONISM WITH ALVEOLAR HYPOVENTILATION AND MENTAL DEPRESSION. Identifiers: Orphanet 178509, MedGen C1868594, MONDO:0008201, OMIM 168605.
Neuronopathy, distal hereditary motor, type 7B. Also called: Distal Hereditary Motor Neuronopathy Type 7B (dHMN7B); HMN VIIB; LOWER MOTOR NEURON DISEASE, DYNACTIN TYPE; NEURONOPATHY, DISTAL HEREDITARY MOTOR, AUTOSOMAL DOMINANT 14; NEURONOPATHY, DISTAL HEREDITARY MOTOR, HARDING TYPE VIIB; NEUROPATHY, DISTAL HEREDITARY MOTOR, HARDING TYPE VIIB. Identifiers: Orphanet 139589, MedGen C1843315, MONDO:0011879, OMIM 607641.

Allele frequency attached by ClinVar (database versions not stated): gnomAD exomes 0.00006 and 0.00016; ExAC 0.00021; gnomAD 0.00058 and 0.00061; TOPMed 0.00066; ESP Exome Variant Server 0.00077; 1000 Genomes Project 0.00080; 1000 Genomes Project 30x 0.00109.
gnomAD v4.1: 181 of 1,614,188 alleles (0.011%); highest among the groups gnomAD compares: African/African-American, 0.19%; 1 homozygote.

Submissions (5):

Labcorp Genetics (formerly Invitae), Labcorp
Classification: Benign for Amyotrophic lateral sclerosis type 1; Neuronopathy, distal hereditary motor, type 7B; Perry syndrome. Last evaluated: 2026-01-19. Review status: criteria provided, single submitter. Criteria: Invitae Variant Classification Sherloc (09022015). Collection method: clinical testing. Allele origin: germline.

CeGaT Center for Human Genetics Tuebingen
Classification: Likely benign. Last evaluated: 2026-01-01. Review status: criteria provided, single submitter. Criteria: CeGaT Center For Human Genetics Tuebingen Variant Classification Criteria Version 2. Collection method: clinical testing. Allele origin: germline. Affected: yes. Observed: 1 variant allele.
Comment: DCTN1: BP4, BP7

PreventionGenetics, part of Exact Sciences
Classification: Likely benign for DCTN1-related condition. Last evaluated: 2025-02-27. Review status: criteria provided, single submitter. Criteria: ACMG Guidelines, 2015. Collection method: clinical testing. Allele origin: germline.
Comment: This variant is classified as likely benign based on ACMG/AMP sequence variant interpretation guidelines (Richards et al. 2015 PMID: 25741868, with internal and published modifications).

Ambry Genetics
Classification: Likely benign for Inborn genetic diseases. Last evaluated: 2019-07-11. Review status: criteria provided, single submitter. Criteria: Ambry Variant Classification Scheme 2023. Collection method: clinical testing. Allele origin: germline.

Athena Diagnostics
Classification: Benign. Last evaluated: 2017-12-28. Review status: criteria provided, single submitter. Criteria: Athena Diagnostics Criteria. Collection method: clinical testing. Allele origin: germline.

NM_004082.5(DCTN1):c.1998G>A (p.Thr666=)

Gene: DCTN1 (dynactin subunit 1; minus strand). Cytogenetic location: 2p13.1.
Variant type: single nucleotide variant.
Coding change: c.1998G>A on transcript NM_004082.5 (MANE Select); coding-DNA position 1998, G replaced by A.
Protein change: p.Thr666=; no amino-acid change (threonine 666 retained).
Molecular consequence: synonymous variant. On other transcripts: non-coding transcript variant (1).
Genome position (GRCh38, 1-based): chr2:74,367,988, C>T on the plus strand (G>A on the coding strand, the complement: DCTN1 is on the minus strand). VCF-style: chr2-74367988-C-T. GRCh37 (hg19) VCF-style: chr2-74595115-C-T.
Other names: c.1938G>A, p.Thr646= (NM_001135040.3); c.1596G>A, p.Thr532= (NM_001135041.3, NM_023019.4); c.1887G>A, p.Thr629= (NM_001190836.2); c.1977G>A, p.Thr659= (NM_001190837.2); c.1947G>A, p.Thr649= (NM_001378991.1); c.1929G>A, p.Thr643= (NM_001378992.1).
Identifiers: ClinVar variation 585766 (VCV000585766.20), dbSNP rs149900553, ClinGen allele CA1721992.